The following is an entry in ClinVar:

ClinVar aggregate classification (germline): Uncertain significance (1 of 4 stars; one submission).

Conditions:
Hereditary cancer-predisposing syndrome. Also called: Tumor predisposition; Hereditary neoplastic syndrome; Hereditary Cancer Syndrome; Neoplastic Syndromes, Hereditary. Identifiers: Orphanet 140162, MedGen C0027672, MeSH D009386, MONDO:0015356.

Submission:

Ambry Genetics
Classification: Uncertain significance for Hereditary cancer-predisposing syndrome. Last evaluated: 2025-03-20. Review status: criteria provided, single submitter. Criteria: Ambry Variant Classification Scheme 2023. Collection method: clinical testing. Allele origin: germline.
Comment: The p.S410P variant (also known as c.1228T>C), located in coding exon 10 of the SUFU gene, results from a T to C substitution at nucleotide position 1228. The serine at codon 410 is replaced by proline, an amino acid with similar properties. This amino acid position is highly conserved in available vertebrate species. In addition, the in silico prediction for this alteration is inconclusive. Based on the available evidence, the clinical significance of this variant remains unclear.

NM_016169.4(SUFU):c.1228T>C (p.Ser410Pro)

Gene: SUFU (SUFU negative regulator of hedgehog signaling; plus strand). Cytogenetic location: 10q24.32.
Variant type: single nucleotide variant.
Coding change: c.1228T>C on transcript NM_016169.4 (MANE Select); coding-DNA position 1228, T replaced by C.
Protein change: p.Ser410Pro; replaces serine 410 with proline.
Molecular consequence: missense variant.
Genome position (GRCh38, 1-based): chr10:102,617,360, T>C. VCF-style: chr10-102617360-T-C. GRCh37 (hg19) VCF-style: chr10-104377117-T-C.
Other names: c.1228T>C, p.Ser410Pro (NM_001178133.2); short protein forms S410P.
Identifiers: ClinVar variation 3963849 (VCV003963849.1).